The following is an entry in ClinVar:

ClinVar aggregate classification (germline): Uncertain significance (0 of 4 stars; one submission).

Conditions:
MYT1L-related disorder. Also called: MYT1L-related condition.

Submission:

PreventionGenetics, part of Exact Sciences
Classification: Uncertain significance for MYT1L-related condition. Last evaluated: 2024-03-13. Review status: no assertion criteria provided. Collection method: clinical testing. Allele origin: germline.
Comment: The MYT1L c.3217A>C variant is predicted to result in the amino acid substitution p.Lys1073Gln. To our knowledge, this variant has not been reported in the literature or in a large population database, indicating this variant is rare. At this time, the clinical significance of this variant is uncertain due to the absence of conclusive functional and genetic evidence.

NM_001303052.2(MYT1L):c.3217A>C (p.Lys1073Gln)

Gene: MYT1L (myelin transcription factor 1 like; minus strand). Cytogenetic location: 2p25.3.
Variant type: single nucleotide variant.
Coding change: c.3217A>C on transcript NM_001303052.2 (MANE Select); coding-DNA position 3217, A replaced by C.
Protein change: p.Lys1073Gln; replaces lysine 1073 with glutamine.
Molecular consequence: missense variant.
Genome position (GRCh38, 1-based): chr2:1,801,755, T>G on the plus strand (A>C on the coding strand, the complement: MYT1L is on the minus strand). VCF-style: chr2-1801755-T-G. GRCh37 (hg19) VCF-style: chr2-1805527-T-G.
Other names: c.3217A>C, p.Lys1073Gln (NM_001329844.2, NM_001329845.1, NM_001329851.3); c.3211A>C, p.Lys1071Gln (NM_001329846.3, NM_001329847.2, NM_001329848.1 and 3 more transcripts); short protein forms K1071Q, K1073Q.
Identifiers: ClinVar variation 3348431 (VCV003348431.1).